The following is an entry in ClinVar:

ClinVar aggregate classification (germline): Pathogenic. Review status: criteria provided, multiple submitters, no conflicts (2 of 4 stars). 4 submissions from 4 submitters: Pathogenic (4). Last evaluated 2024-12-11.

Conditions:
Cortical dysplasia-focal epilepsy syndrome (PTHSL1). Also called: Pitt-Hopkins-like syndrome 1. Identifiers: Orphanet 163681, Orphanet 221150, MedGen C2750246, MONDO:0012400, OMIM 610042.

Allele frequency attached by ClinVar (database versions not stated): gnomAD 0.00001; TOPMed 0.00001.
gnomAD v4.1: 6 of 1,614,056 alleles (0.00037%); highest among the groups gnomAD compares: Non-Finnish European, 0.00051%; no homozygotes.

Submissions (4):

Women's Health and Genetics/Laboratory Corporation of America, LabCorp
Classification: Pathogenic for Cortical dysplasia-focal epilepsy syndrome. Last evaluated: 2024-12-11. Review status: criteria provided, single submitter. Criteria: LabCorp Variant Classification Summary - May 2015. Collection method: clinical testing. Allele origin: germline.
Comment: Variant summary: CNTNAP2 c.2153G>A (p.Trp718X) results in a premature termination codon, predicted to cause a truncation of the encoded protein or absence of the protein due to nonsense mediated decay, which are commonly known mechanisms for disease. The variant was absent in 250898 control chromosomes. c.2153G>A has been reported in the literature in at least one individual affected with clinical features of Pitt-Hopkins-Like Syndrome 1 without reported second variant (e.g. Gregor_2011). To our knowledge, no experimental evidence demonstrating an impact on protein function has been reported. The following publication has been ascertained in the context of this evaluation (PMID: 21827697). ClinVar contains an entry for this variant (Variation ID: 95560). Based on the evidence outlined above, the variant was classified as pathogenic.

Labcorp Genetics (formerly Invitae), Labcorp
Classification: Pathogenic for Cortical dysplasia-focal epilepsy syndrome. Last evaluated: 2024-09-03. Review status: criteria provided, single submitter. Criteria: Invitae Variant Classification Sherloc (09022015). Collection method: clinical testing. Allele origin: germline.
Comment: This sequence change creates a premature translational stop signal (p.Trp718*) in the CNTNAP2 gene. It is expected to result in an absent or disrupted protein product. Loss-of-function variants in CNTNAP2 are known to be pathogenic (PMID: 19896112, 21827697, 25045150, 26843181, 27439707). This variant is not present in population databases (gnomAD no frequency). This premature translational stop signal has been observed in individual(s) with severe intellectual disability and seizures (PMID: 21827697). ClinVar contains an entry for this variant (Variation ID: 95560). For these reasons, this variant has been classified as Pathogenic.

3billion
Classification: Pathogenic for Cortical dysplasia-focal epilepsy syndrome. Last evaluated: 2023-12-18. Review status: criteria provided, single submitter. Criteria: ACMG Guidelines, 2015. Collection method: clinical testing. Allele origin: germline. Affected: yes.
Comment: The variant is not observed in the gnomAD v2.1.1 dataset. Predicted Consequence/Location: Stop-gained (nonsense): predicted to result in a loss or disruption of normal protein function through nonsense-mediated decay (NMD) or protein truncation. Multiple pathogenic variants are reported downstream of the variant. The variant has been reported at least twice as pathogenic without evidence for the classification (ClinVar ID: VCV000095560 /PMID: 21827697). Therefore, this variant is classified as Pathogenic according to the recommendation of ACMG/AMP guideline.

Eurofins Ntd Llc (ga)
Classification: Pathogenic. Last evaluated: 2012-08-16. Review status: criteria provided, single submitter. Criteria: EGL Classification Definitions 2015. Collection method: clinical testing. Allele origin: germline. Observed: 1 variant allele, 1 homozygote.

Literature cited by the submitters: PubMed 21827697 (cited by 3 submitters); PubMed 19896112 (cited by Labcorp Genetics (formerly Invitae), Labcorp); PubMed 25045150 (cited by Labcorp Genetics (formerly Invitae), Labcorp); PubMed 26843181 (cited by Labcorp Genetics (formerly Invitae), Labcorp); PubMed 27439707 (cited by Labcorp Genetics (formerly Invitae), Labcorp).

NM_014141.6(CNTNAP2):c.2153G>A (p.Trp718Ter)

Gene: CNTNAP2 (contactin associated protein 2; plus strand). Cytogenetic location: 7q35.
Variant type: single nucleotide variant.
Coding change: c.2153G>A on transcript NM_014141.6 (MANE Select); coding-DNA position 2153, G replaced by A.
Protein change: p.Trp718Ter; replaces tryptophan 718 with a stop codon.
Molecular consequence: nonsense.
Genome position (GRCh38, 1-based): chr7:147,903,619, G>A. VCF-style: chr7-147903619-G-A. GRCh37 (hg19) VCF-style: chr7-147600711-G-A.
Other names: short protein forms W718*.
Identifiers: ClinVar variation 95560 (VCV000095560.15), dbSNP rs398124268, ClinGen allele CA285681.